The following is an entry in ClinVar:

ClinVar aggregate classification (germline): Conflicting classifications of pathogenicity. Review status: criteria provided, conflicting classifications (1 of 4 stars). 5 submissions from 5 submitters: Uncertain significance (2); Likely benign (1). 2 of the submissions do not count toward it. Last evaluated 2024-11-20.

Conditions:
Galactosylceramide beta-galactosidase deficiency. Also called: Krabbe Disease; Leukodystrophy, Globoid Cell; GALACTOCEREBROSIDASE DEFICIENCY; GALC DEFICIENCY; GLOBOID CELL LEUKOENCEPHALOPATHY. Identifiers: Orphanet 487, MedGen C0023521, MONDO:0009499, OMIM 245200.
GALC-related disorder. Also called: GALC-related condition.

Submissions (5):

Blueprint Genetics
Classification: Uncertain significance. Last evaluated: 2024-11-20. Review status: criteria provided, single submitter. Criteria: ACMG Guidelines, 2015. Collection method: clinical testing. Allele origin: germline.

Revvity Omics, Revvity
Classification: Likely benign. Last evaluated: 2024-10-24. Review status: criteria provided, single submitter. Criteria: ACMG Guidelines, 2015. Collection method: clinical testing. Allele origin: germline.

Women's Health and Genetics/Laboratory Corporation of America, LabCorp
Classification: Uncertain significance. Last evaluated: 2017-12-26. Review status: criteria provided, single submitter. Criteria: LabCorp Variant Classification Summary - May 2015. Collection method: clinical testing. Allele origin: germline.
Comment: Variant summary: The GALC c.-84_-79delCAGCAT variant involves the deletion of 6 nucleotides in the 5'UTR of the gene. One in silico tool predicts the variant is a polymorphism. This variant was found in 6/30942 control chromosomes, observed exclusively in the East Asian subpopulation at a frequency of 0.003699 (6/1622). This frequency is about 1.5 times the estimated maximal expected allele frequency of a pathogenic GALC variant (0.0022361), suggesting this may be a benign polymorphism found primarily in the populations of East Asian origin. The variant has been reported in a screening study as being associated with low GALC activity in dried blood spots in two children classified as being at high risk for KD (Orsini_2016), however it was co-occurring with GALC p.L618S (in one homozygote) and p.R380W and p.L618S in a compound heterozygote (both DM in HGMD). Clinical diagnostic laboratories and reputable databases have not classified this variant. Taken together, this variant is classified as a VUS-possibly benign until additional information becomes available.

Natera, Inc.
Classification: Uncertain significance for Galactosylceramide beta-galactosidase deficiency. Last evaluated: 2020-09-16. Review status: no assertion criteria provided. Collection method: clinical testing. Allele origin: germline. Not counted in ClinVar's aggregate classification.

PreventionGenetics, part of Exact Sciences
Classification: Likely benign for GALC-related condition. Last evaluated: 2019-04-09. Review status: no assertion criteria provided. Collection method: clinical testing. Allele origin: germline. Not counted in ClinVar's aggregate classification.
Comment: This variant is classified as likely benign based on ACMG/AMP sequence variant interpretation guidelines (Richards et al. 2015 PMID: 25741868, with internal and published modifications).

NM_000153.4(GALC):c.-80_-75delATCAGC

Gene: GALC (galactosylceramidase; minus strand). Cytogenetic location: 14q31.3.
Variant type: Deletion.
Coding change: c.-80_-75delATCAGC on transcript NM_000153.4 (MANE Select); 80 bases upstream of the start codon through 75 bases upstream of the start codon, 6 bases deleted (ATCAGC).
Molecular consequence: genic upstream transcript variant. On other transcripts: intron variant (1).
Genome position (GRCh38, 1-based): chr14:87,993,239-87,993,244, GCTGAT deleted on the plus strand (ATCAGC on the coding strand, the reverse complement: GALC is on the minus strand); deleting any 6 consecutive bases within chr14:87,993,239-87,993,249 gives the same sequence; the c. name uses the placement nearest the transcript's 3' end. VCF-style (leftmost placement, unchanged base first): chr14-87993238-CGCTGAT-C. GRCh37 (hg19) VCF-style: chr14-88459582-CGCTGAT-C.
Other names: c.-80_-75del (NM_000153.4); c.117+139_117+144del (NM_001201402.2); c.117+139_117+144del6 (NM_001201402.1).
Identifiers: ClinVar variation 632824 (VCV000632824.8), dbSNP rs564526560, ClinGen allele CA265469477.